The following is an entry in ClinVar:

NM_001569.4(IRAK1):c.361A>C (p.Ile121Leu)

Genes: IRAK1 (interleukin 1 receptor associated kinase 1; minus strand), LOC130068849 (ATAC-STARR-seq lymphoblastoid silent region 21080; plus strand). Cytogenetic location: Xq28.
Variant type: single nucleotide variant.
Coding change: c.361A>C on transcript NM_001569.4 (MANE Select); coding-DNA position 361, A replaced by C.
Protein change: p.Ile121Leu; replaces isoleucine 121 with leucine.
Molecular consequence: missense variant.
Genome position (GRCh38, 1-based): chrX:154,019,272, T>G on the plus strand (A>C on the coding strand, the complement: IRAK1 is on the minus strand). VCF-style: chrX-154019272-T-G. GRCh37 (hg19) VCF-style: chrX-153284723-T-G.
Other names: c.361A>C, p.Ile121Leu (NM_001025242.2, NM_001025243.2); short protein forms I121L.
Identifiers: ClinVar variation 786442 (VCV000786442.8), dbSNP rs201911518, ClinGen allele CA10558355.

ClinVar aggregate classification (germline): Benign/Likely benign. Review status: criteria provided, multiple submitters, no conflicts (2 of 4 stars). 5 submissions from 5 submitters: Benign (1); Likely benign (1). 3 of the submissions do not count toward it. Last evaluated 2024-11-20.

Conditions:
IRAK1-related disorder. Also called: IRAK1-related condition.

Allele frequency attached by ClinVar (database versions not stated): 1000 Genomes Project 30x 0.00042; 1000 Genomes Project 0.00053; ESP Exome Variant Server 0.00211; gnomAD 0.00235; TOPMed 0.00239; ExAC 0.00327.
gnomAD v4.1: 4,904 of 1,194,548 alleles (0.41%); highest among the groups gnomAD compares: Non-Finnish European, 0.5%; 13 homozygotes.

Submissions (5):

Blueprint Genetics
Classification: Likely benign. Last evaluated: 2024-11-20. Review status: criteria provided, single submitter. Criteria: ACMG Guidelines, 2015. Collection method: clinical testing. Allele origin: germline.

Labcorp Genetics (formerly Invitae), Labcorp
Classification: Benign. Last evaluated: 2017-12-08. Review status: criteria provided, single submitter. Criteria: Invitae Variant Classification Sherloc (09022015). Collection method: clinical testing. Allele origin: germline.

PreventionGenetics, part of Exact Sciences
Classification: Likely benign for IRAK1-related condition. Last evaluated: 2020-04-14. Review status: no assertion criteria provided. Collection method: clinical testing. Allele origin: germline. Not counted in ClinVar's aggregate classification.
Comment: This variant is classified as likely benign based on ACMG/AMP sequence variant interpretation guidelines (Richards et al. 2015 PMID: 25741868, with internal and published modifications).

Clinical Genetics DNA and cytogenetics Diagnostics Lab, Erasmus MC, Erasmus Medical Center
Classification: Likely benign. Review status: no assertion criteria provided. Collection method: clinical testing. Allele origin: germline. Affected: yes. Study: VKGL Data-share Consensus. Not counted in ClinVar's aggregate classification.

Genome Diagnostics Laboratory, University Medical Center Utrecht
Classification: Benign. Review status: no assertion criteria provided. Collection method: clinical testing. Allele origin: germline. Affected: yes. Study: VKGL Data-share Consensus. Not counted in ClinVar's aggregate classification.